The following is an entry in ClinVar:

ClinVar aggregate classification (germline): Pathogenic (1 of 4 stars; one submission).

Conditions:
Hereditary spastic paraplegia 15 (SPG15). Also called: SPASTIC PARAPLEGIA 15, AUTOSOMAL RECESSIVE; KJELLIN SYNDROME; SPASTIC PARAPLEGIA AND RETINAL DEGENERATION. Identifiers: Orphanet 100996, MedGen C1849128, MONDO:0010044, OMIM 270700.

Submission:

Myriad Genetics, Inc.
Classification: Pathogenic for Hereditary spastic paraplegia 15. Last evaluated: 2026-09-04. Review status: criteria provided, single submitter. Criteria: Myriad Autosomal Dominant, Autosomal Recessive and X-Linked Classification Criteria (2023). Collection method: clinical testing. Allele origin: unknown.
Comment: NM_015346.3(ZFYVE26):c.236G>A(W79*) is expected to be pathogenic in the context of spastic paraplegia type 15. This variant is predicted to lead to an abnormal or absent protein product due to the creation of a premature termination codon in ZFYVE26, a gene where loss-of-function variants are known to be pathogenic. Please note: this variant was assessed in the context of healthy population screening.

NM_015346.4(ZFYVE26):c.236G>A (p.Trp79Ter)

Gene: ZFYVE26 (zinc finger FYVE-type containing 26; minus strand). Cytogenetic location: 14q24.1.
Variant type: single nucleotide variant.
Coding change: c.236G>A on transcript NM_015346.4 (MANE Select); coding-DNA position 236, G replaced by A.
Protein change: p.Trp79Ter; replaces tryptophan 79 with a stop codon.
Molecular consequence: nonsense.
Genome position (GRCh38, 1-based): chr14:67,814,023, C>T on the plus strand (G>A on the coding strand, the complement: ZFYVE26 is on the minus strand). VCF-style: chr14-67814023-C-T. GRCh37 (hg19) VCF-style: chr14-68280740-C-T.
Other names: short protein forms W79*.
Identifiers: ClinVar variation 5016313 (VCV005016313.1).